The following is an entry in ClinVar:

ClinVar aggregate classification (germline): Uncertain significance. Review status: criteria provided, multiple submitters, no conflicts (2 of 4 stars). 5 submissions from 5 submitters: Uncertain significance (5). Last evaluated 2025-11-21.

Conditions:
Hypertrophic cardiomyopathy 1 (CMH1). Also called: Familial hypertrophic cardiomyopathy 1; MYH7-Related Familial Hypertrophic Cardiomyopathy. Identifiers: MedGen C3495498, MONDO:0008647, OMIM 192600.
Congenital myopathy with fiber type disproportion. Also called: Congenital fiber-type disproportion; Congenital fiber-type disproportion myopathy. Identifiers: Orphanet 2020, MedGen C0546264, MONDO:0009711. Inheritance: all.
Dilated cardiomyopathy 1S (CMD1S). Identifiers: Orphanet 154, Orphanet 54260, MedGen C1834481, MONDO:0013262, OMIM 613426.
Myosin storage myopathy (CMYO7A). Also called: MYOPATHY WITH LYSIS OF TYPE I MYOFIBRILS; MYH7-related late-onset scapuloperoneal muscular dystrophy; Congenital myopathy 7A, myosin storage, autosomal dominant; MYOPATHY, HYALINE BODY, AUTOSOMAL DOMINANT; Scapuloperoneal myopathy, MYH7-related; SCAPULOPERONEAL MUSCULAR DYSTROPHY. Identifiers: Orphanet 437572, Orphanet 636965, MedGen C1842160, MONDO:0008409, OMIM 608358.
Myopathy, myosin storage, autosomal recessive (CMYO7B). Also called: CONGENITAL MYOPATHY 7B, MYOSIN STORAGE, AUTOSOMAL RECESSIVE. Identifiers: Orphanet 636970, MedGen C1850709, MONDO:0009708, OMIM 255160.
MYH7-related skeletal myopathy. Also called: Myopathy, distal, 1; Laing distal myopathy; MYOPATHY, DISTAL, EARLY-ONSET, AUTOSOMAL DOMINANT; MYOPATHY, LATE DISTAL HEREDITARY; Laing early-onset distal myopathy. Identifiers: Orphanet 59135, MedGen C4552004, MONDO:0008050, OMIM 160500.
Cardiomyopathy (CMYO). Also called: Cardiomyopathies. Identifiers: Orphanet 167848, MedGen C0878544, MONDO:0004994, HP:0001638. Inheritance: Various modes of inheritance.
Cardiovascular phenotype. Identifiers: MedGen CN230736.
Hypertrophic cardiomyopathy. Also called: HYPERTROPHIC MYOCARDIOPATHY. Identifiers: Orphanet 217569, MedGen C0007194, MeSH D002312, MONDO:0005045, HP:0001639.

gnomAD v4.1: 12 of 1,614,058 alleles (0.00074%); highest among the groups gnomAD compares: Non-Finnish European, 0.001%; no homozygotes.

Submissions (5):

Labcorp Genetics (formerly Invitae), Labcorp
Classification: Uncertain significance for Hypertrophic cardiomyopathy. Last evaluated: 2025-11-21. Review status: criteria provided, single submitter. Criteria: Invitae Variant Classification Sherloc (09022015). Collection method: clinical testing. Allele origin: germline.
Comment: This sequence change replaces glutamic acid, which is acidic and polar, with valine, which is neutral and non-polar, at codon 1548 of the MYH7 protein (p.Glu1548Val). This variant is not present in population databases (gnomAD no frequency). This missense change has been observed in individual(s) with dilated cardiomyopathy (PMID: 27532257, 31983221, 34542152). ClinVar contains an entry for this variant (Variation ID: 838150). An algorithm developed to predict the effect of missense changes on protein structure and function (PolyPhen-2) suggests that this variant is likely to be disruptive. Algorithms developed to predict the effect of sequence changes on RNA splicing suggest that this variant may disrupt the consensus splice site. In summary, the available evidence is currently insufficient to determine the role of this variant in disease. Therefore, it has been classified as a Variant of Uncertain Significance.

Ambry Genetics
Classification: Uncertain significance for Cardiovascular phenotype. Last evaluated: 2025-01-31. Review status: criteria provided, single submitter. Criteria: Ambry Variant Classification Scheme 2023. Collection method: clinical testing. Allele origin: germline.
Comment: The p.E1548V variant (also known as c.4643A>T), located in coding exon 31 of the MYH7 gene, results from an A to T substitution at nucleotide position 4643. The glutamic acid at codon 1548 is replaced by valine, an amino acid with dissimilar properties. This variant was reported in one patient with dilated cardiomyopathy (DCM) in a large study of pathogenicity of Mendelian variants in cardiomyopathy patients, but clinical details are limited (Walsh R et al. Genet Med, 2017 Feb;19:192-203). This amino acid position is highly conserved in available vertebrate species. In addition, this alteration is predicted to be deleterious by in silico analysis. Based on the available evidence, the clinical significance of this variant remains unclear.

All of Us Research Program, National Institutes of Health
Classification: Uncertain significance for Cardiomyopathy. Last evaluated: 2023-11-20. Review status: criteria provided, single submitter. Criteria: ACMG Guidelines, 2015. Collection method: clinical testing. Allele origin: germline. Inheritance: Autosomal dominant inheritance. Observed: 1 variant allele, 1 heterozygote.
Comment: This missense variant replaces glutamic acid with valine at codon 1548 of the MYH7 protein. Computational prediction suggests that this variant may have a deleterious impact on protein structure and function (internally defined REVEL score threshold >= 0.7, PMID: 27666373). To our knowledge, functional studies have not been reported for this variant. This variant has been reported in two individuals affected with dilated cardiomyopathy (PMID: 27532257, 31983221). This variant has not been identified in the general population by the Genome Aggregation Database (gnomAD). The available evidence is insufficient to determine the role of this variant in disease conclusively. Therefore, this variant is classified as a Variant of Uncertain Significance.

This study involves interpretation of variants in research participants for the purpose of population health screening. Participant phenotype was not available at the time of variant classification. Additional details can be found in publication PMID: 35346344, PMCID: PMC8962531

Fulgent Genetics
Classification: Uncertain significance for MYH7-related skeletal myopathy; Myosin storage myopathy; Hypertrophic cardiomyopathy 1; Myopathy, myosin storage, autosomal recessive; Congenital myopathy 4A, autosomal dominant; Dilated cardiomyopathy 1S. Last evaluated: 2021-07-09. Review status: criteria provided, single submitter. Criteria: ACMG Guidelines, 2015. Collection method: clinical testing. Allele origin: unknown.

CHEO Genetics Diagnostic Laboratory, Children's Hospital of Eastern Ontario
Classification: Uncertain significance for Cardiomyopathy. Last evaluated: 2020-07-13. Review status: criteria provided, single submitter. Criteria: ACMG Guidelines, 2015. Collection method: clinical testing. Allele origin: germline.

Literature cited by the submitters: PubMed 27532257 (cited by 3 submitters); PubMed 31983221 (cited by Labcorp Genetics (formerly Invitae), Labcorp and All of Us Research Program, National Institutes of Health); PubMed 34542152 (cited by Labcorp Genetics (formerly Invitae), Labcorp).

NM_000257.4(MYH7):c.4643A>T (p.Glu1548Val)

Genes: MHRT (myosin heavy chain associated RNA transcript; plus strand), MYH7 (myosin heavy chain 7; minus strand). Cytogenetic location: 14q11.2.
Variant type: single nucleotide variant.
Coding change: c.4643A>T on transcript NM_000257.4 (MANE Select); coding-DNA position 4643, A replaced by T.
Protein change: p.Glu1548Val; replaces glutamic acid 1548 with valine.
Molecular consequence: missense variant.
Genome position (GRCh38, 1-based): chr14:23,416,869, T>A on the plus strand (A>T on the coding strand, the complement: MYH7 is on the minus strand). VCF-style: chr14-23416869-T-A. GRCh37 (hg19) VCF-style: chr14-23886078-T-A.
Other names: short protein forms E1548V.
Identifiers: ClinVar variation 838150 (VCV000838150.13), dbSNP rs730880804, ClinGen allele CA389037958.
Genomic context (GRCh38, chr14:23,416,869, plus strand): 5'-CAGGGACCAAAAGCCTGGAGCTCAGCTCCCTGCACCCCGTGCCCTGCACACACACACACC[T>A]CGGCCTCCTCCAGGGCTGACTGCAGCTCCATCTTCTCGGCCTCCAGCTGCTTTCGGACCT-3'
Protein context (NP_000248.2, residues 1538-1558): MELQSALEEA[Glu1548Val]ASLEHEEGKI